The following is an entry in ClinVar:

NM_181552.4(CUX1):c.245A>G (p.Tyr82Cys)

Gene: CUX1 (cut like homeobox 1; plus strand). Cytogenetic location: 7q22.1.
Variant type: single nucleotide variant.
Coding change: c.245A>G on transcript NM_181552.4 (MANE Select); coding-DNA position 245, A replaced by G.
Protein change: p.Tyr82Cys; replaces tyrosine 82 with cysteine.
Molecular consequence: missense variant.
Genome position (GRCh38, 1-based): chr7:102,070,394, A>G. VCF-style: chr7-102070394-A-G. GRCh37 (hg19) VCF-style: chr7-101713674-A-G.
Other names: c.278A>G, p.Tyr93Cys (NM_001202543.2, NM_001202545.3, NM_001913.5 and 1 more transcripts); c.230A>G, p.Tyr77Cys (NM_001202544.3); c.167A>G, p.Tyr56Cys (NM_001202546.3); short protein forms Y82C, Y77C, Y93C, Y56C.
Identifiers: ClinVar variation 4616790 (VCV004616790.1).
Genomic context (GRCh38, chr7:102,070,394, plus strand): 5'-TTCAGATTGATGCACTGAGTAAAAGAAGCAAGGAAGCTGAAGCAGCTTTCTTGAATGTCT[A>G]CAAAAGATTGATTGACGTCCCAGGTAAGCCCCGGCAGTAATGGCCCACCAGTGGGGGGCG-3'
Protein context (NP_853530.2, residues 72-92): KEAEAAFLNV[Tyr82Cys]KRLIDVPDPV

ClinVar aggregate classification (germline): Uncertain significance (1 of 4 stars; one submission).

Conditions:
Inborn genetic diseases. Identifiers: MedGen C0950123, MeSH D030342.

gnomAD v4.1: 5 of 1,610,692 alleles (0.00031%); highest among the groups gnomAD compares: African/African-American, 0.004%; no homozygotes.

Submission:

Ambry Genetics
Classification: Uncertain significance for Inborn genetic diseases. Last evaluated: 2025-11-24. Review status: criteria provided, single submitter. Criteria: Ambry Variant Classification Scheme 2023. Collection method: clinical testing. Allele origin: germline.
Comment: The c.278A>G (p.Y93C) alteration is located in exon 4 (coding exon 4) of the CUX1 gene. This alteration results from a A to G substitution at nucleotide position 278, causing the tyrosine (Y) at amino acid position 93 to be replaced by a cysteine (C). Based on data from gnomAD, the G allele has an overall frequency of 0.001% (2/278340) total alleles studied. The highest observed frequency was 0.004% (1/24738) of African alleles. Based on insufficient or conflicting evidence, the clinical significance of this alteration remains unclear.